The following is an entry in ClinVar:

ClinVar aggregate classification (germline): Conflicting classifications of pathogenicity. Review status: criteria provided, conflicting classifications (1 of 4 stars). 2 submissions from 2 submitters: Uncertain significance (1); Likely benign (1). Last evaluated 2023-03-23.

Conditions:
Hereditary cancer-predisposing syndrome. Also called: Tumor predisposition; Hereditary neoplastic syndrome; Neoplastic Syndromes, Hereditary; Hereditary Cancer Syndrome. Identifiers: Orphanet 140162, MedGen C0027672, MeSH D009386, MONDO:0015356.
Hereditary breast ovarian cancer syndrome. Also called: Breast and ovarian cancer; BRCA1- and BRCA2-Associated Hereditary Breast and Ovarian Cancer; Hereditary breast and ovarian cancer; Hereditary breast and ovarian cancer syndrome (HBOC); Hereditary breast and/or ovarian cancer syndrome; Hereditary breast and ovarian cancer syndrome. Identifiers: Orphanet 145, MedGen C0677776, MeSH D061325, MONDO:0003582. Disease mechanism: loss of function.

Submissions (2):

University of Washington Department of Laboratory Medicine, University of Washington
Classification: Likely benign for Hereditary cancer-predisposing syndrome. Last evaluated: 2023-03-23. Review status: criteria provided, single submitter. Criteria: Dines et al. (Genet Med. 2020). Collection method: curation. Allele origin: germline.
Comment: Missense variant in a coldspot region where missense variants are very unlikely to be pathogenic (PMID:31911673).

BRCA2 exon 10 coldspot. Reclassification based on statistical prior probability.

Labcorp Genetics (formerly Invitae), Labcorp
Classification: Uncertain significance for Hereditary breast ovarian cancer syndrome. Last evaluated: 2019-12-20. Review status: criteria provided, single submitter. Criteria: Invitae Variant Classification Sherloc (09022015). Collection method: clinical testing. Allele origin: germline.
Comment: This sequence change replaces arginine with glycine at codon 316 of the BRCA2 protein (p.Arg316Gly). The arginine residue is weakly conserved and there is a moderate physicochemical difference between arginine and glycine. In summary, the available evidence is currently insufficient to determine the role of this variant in disease. Therefore, it has been classified as a Variant of Uncertain Significance. Algorithms developed to predict the effect of missense changes on protein structure and function are either unavailable or do not agree on the potential impact of this missense change (SIFT: "Tolerated"; PolyPhen-2: "Possibly Damaging"; Align-GVGD: "Class C0"). This variant has not been reported in the literature in individuals with BRCA2-related conditions. This variant is not present in population databases (ExAC no frequency).

NM_000059.4(BRCA2):c.946A>G (p.Arg316Gly)

Gene: BRCA2 (BRCA2 DNA repair associated; plus strand). Cytogenetic location: 13q13.1.
Variant type: single nucleotide variant.
Coding change: c.946A>G on transcript NM_000059.4 (MANE Select); coding-DNA position 946, A replaced by G.
Protein change: p.Arg316Gly; replaces arginine 316 with glycine.
Molecular consequence: missense variant.
Genome position (GRCh38, 1-based): chr13:32,332,424, A>G. VCF-style: chr13-32332424-A-G. GRCh37 (hg19) VCF-style: chr13-32906561-A-G.
Other names: short protein forms R316G.
Identifiers: ClinVar variation 856517 (VCV000856517.11), dbSNP rs2072400992, ClinGen allele CA387760827.